The following is an entry in ClinVar:

ClinVar aggregate classification (germline): Uncertain significance (1 of 4 stars; one submission).

Conditions:
Dyskeratosis congenita. Identifiers: Orphanet 1775, MedGen C0265965, MONDO:0015780.

Allele frequency attached by ClinVar (database versions not stated): gnomAD 0.00001; TOPMed 0.00002; ExAC 0.00003; ESP Exome Variant Server 0.00008.
gnomAD v4.1: 27 of 1,613,782 alleles (0.0017%); highest among the groups gnomAD compares: Non-Finnish European, 0.0023%; no homozygotes.

Submission:

Labcorp Genetics (formerly Invitae), Labcorp
Classification: Uncertain significance for Dyskeratosis congenita. Last evaluated: 2023-05-20. Review status: criteria provided, single submitter. Criteria: Invitae Variant Classification Sherloc (09022015). Collection method: clinical testing. Allele origin: germline.
Comment: This variant has not been reported in the literature in individuals affected with TINF2-related conditions. In summary, the available evidence is currently insufficient to determine the role of this variant in disease. Therefore, it has been classified as a Variant of Uncertain Significance. Algorithms developed to predict the effect of missense changes on protein structure and function output the following: SIFT: "Not Available"; PolyPhen-2: "Possibly Damaging"; Align-GVGD: "Not Available". The serine amino acid residue is found in multiple mammalian species, which suggests that this missense change does not adversely affect protein function. This variant is present in population databases (rs376135750, gnomAD 0.003%). This sequence change replaces asparagine, which is neutral and polar, with serine, which is neutral and polar, at codon 229 of the TINF2 protein (p.Asn229Ser).

NM_001099274.3(TINF2):c.686A>G (p.Asn229Ser)

Gene: TINF2 (TERF1 interacting nuclear factor 2; minus strand). Cytogenetic location: 14q12.
Variant type: single nucleotide variant.
Coding change: c.686A>G on transcript NM_001099274.3 (MANE Select); coding-DNA position 686, A replaced by G.
Protein change: p.Asn229Ser; replaces asparagine 229 with serine.
Molecular consequence: missense variant.
Genome position (GRCh38, 1-based): chr14:24,240,794, T>C on the plus strand (A>G on the coding strand, the complement: TINF2 is on the minus strand). VCF-style: chr14-24240794-T-C. GRCh37 (hg19) VCF-style: chr14-24710000-T-C.
Other names: c.581A>G, p.Asn194Ser (NM_001363668.2); c.686A>G, p.Asn229Ser (NM_012461.3); short protein forms N194S, N229S.
Identifiers: ClinVar variation 2704434 (VCV002704434.3), dbSNP rs376135750, ClinGen allele CA7130577.